The following is an entry in ClinVar:

NM_000091.5(COL4A3):c.1114G>A (p.Gly372Ser)

Genes: COL4A3 (collagen type IV alpha 3 chain; plus strand), MFF-DT (MFF divergent transcript; minus strand). Cytogenetic location: 2q36.3.
Variant type: single nucleotide variant.
Coding change: c.1114G>A on transcript NM_000091.5 (MANE Select); coding-DNA position 1114, G replaced by A.
Protein change: p.Gly372Ser; replaces glycine 372 with serine.
Molecular consequence: missense variant.
Genome position (GRCh38, 1-based): chr2:227,259,877, G>A. VCF-style: chr2-227259877-G-A. GRCh37 (hg19) VCF-style: chr2-228124593-G-A.
Other names: short protein forms G372S.
Identifiers: ClinVar variation 1396239 (VCV001396239.7), dbSNP rs1275209481, ClinGen allele CA350868518.

ClinVar aggregate classification (germline): Uncertain significance. Review status: criteria provided, multiple submitters, no conflicts (2 of 4 stars). 2 submissions from 2 submitters: Uncertain significance (2). Last evaluated 2025-12-11.

Conditions:
Alport syndrome. Also called: Hemorrhagic familial nephritis; Hemorrhagic hereditary nephritis; Congenital hereditary hematuria. Identifiers: Orphanet 63, MedGen C1567741, MONDO:0018965.

Allele frequency attached by ClinVar (database versions not stated): TOPMed below 0.00001.

Submissions (2):

Labcorp Genetics (formerly Invitae), Labcorp
Classification: Uncertain significance. Last evaluated: 2025-12-11. Review status: criteria provided, single submitter. Criteria: Invitae Variant Classification Sherloc (09022015). Collection method: clinical testing. Allele origin: germline.
Comment: This sequence change replaces glycine, which is neutral and non-polar, with serine, which is neutral and polar, at codon 372 of the COL4A3 protein (p.Gly372Ser). This variant also falls at the last nucleotide of exon 19, which is part of the consensus splice site for this exon. This variant is not present in population databases (gnomAD no frequency). This variant has not been reported in the literature in individuals affected with COL4A3-related conditions. ClinVar contains an entry for this variant (Variation ID: 1396239). An algorithm developed to predict the effect of missense changes on protein structure and function (PolyPhen-2) suggests that this variant is likely to be disruptive. Variants that disrupt the consensus splice site are a relatively common cause of aberrant splicing (PMID: 17576681, 9536098). In summary, the available evidence is currently insufficient to determine the role of this variant in disease. Therefore, it has been classified as a Variant of Uncertain Significance.

Myriad Genetics, Inc.
Classification: Uncertain significance for Alport syndrome. Last evaluated: 2025-07-24. Review status: criteria provided, single submitter. Criteria: Myriad Autosomal Dominant, Autosomal Recessive and X-Linked Classification Criteria (2023). Collection method: clinical testing. Allele origin: unknown.
Comment: NM_000091.4(COL4A3):c.1114G>A(G372S) is a missense variant classified as a variant of uncertain significance in the context of Alport syndrome, COL4A3-related. G372S has not been observed in cases with relevant disease. Relevant functional assessments of this variant are not available in the literature. G372S has not been observed in referenced population frequency databases. In summary, there is insufficient evidence to classify NM_000091.4(COL4A3):c.1114G>A(G372S) as pathogenic or benign. Please note: this variant was assessed in the context of healthy population screening.

Literature cited by the submitters: PubMed 17576681 (cited by Labcorp Genetics (formerly Invitae), Labcorp); PubMed 9536098 (cited by Labcorp Genetics (formerly Invitae), Labcorp).